The following is an entry in ClinVar:

NC_000007.13:g.(?_108142915)_(108143106_?)del

Gene: PNPLA8 (patatin like phospholipase domain containing 8; minus strand). Cytogenetic location: 7q31.1.
Variant type: Deletion.
Identifiers: ClinVar variation 3245917 (VCV003245917.1).

ClinVar aggregate classification (germline): Pathogenic (1 of 4 stars; one submission).

Submission:

Labcorp Genetics (formerly Invitae), Labcorp
Classification: Pathogenic. Last evaluated: 2023-05-09. Review status: criteria provided, single submitter. Criteria: Invitae Variant Classification Sherloc (09022015). Collection method: clinical testing. Allele origin: unknown.
Comment: For these reasons, this variant has been classified as Pathogenic. This variant has not been reported in the literature in individuals affected with PNPLA8-related conditions. This variant is a gross deletion of the genomic region encompassing exon(s) 6 of the PNPLA8 gene. This deletion is out-of-frame, and is expected to create a premature termination codon and result in an absent or disrupted protein product. Loss-of-function variants in PNPLA8 are known to be pathogenic (PMID: 29681094).

Literature cited by the submitters: PubMed 29681094.